The following is an entry in ClinVar:

NM_021930.6(RINT1):c.1349T>G (p.Met450Arg)

Gene: RINT1 (RAD50 interactor 1; plus strand). Cytogenetic location: 7q22.3.
Variant type: single nucleotide variant.
Coding change: c.1349T>G on transcript NM_021930.6 (MANE Select); coding-DNA position 1349, T replaced by G.
Protein change: p.Met450Arg; replaces methionine 450 with arginine.
Molecular consequence: missense variant. On other transcripts: non-coding transcript variant (1).
Genome position (GRCh38, 1-based): chr7:105,551,585, T>G. VCF-style: chr7-105551585-T-G. GRCh37 (hg19) VCF-style: chr7-105192032-T-G.
Other names: c.1115T>G, p.Met372Arg (NM_001346599.2); c.326T>G, p.Met109Arg (NM_001346600.2, NM_001346603.2); c.425T>G, p.Met142Arg (NM_001346601.2); short protein forms M142R, M450R, M109R, M372R.
Identifiers: ClinVar variation 4578202 (VCV004578202.1).
Genomic context (GRCh38, chr7:105,551,585, plus strand): 5'-GACTGTAACTACTTAATTGACATAATTGTTTTGTCTGCTTATCAGTTGCTCTTCAAAAAA[T>G]GGACTCAATGCTTTCCTCAGAAGCTGCCTGGGTATCGCAATATAAGGATATCACTGACGT-3'
Protein context (NP_068749.3, residues 440-460): TVERKFALQK[Met450Arg]DSMLSSEAAW

ClinVar aggregate classification (germline): Uncertain significance (1 of 4 stars; one submission).

Submission:

Ambry Genetics
Classification: Uncertain significance. Last evaluated: 2025-09-23. Review status: criteria provided, single submitter. Criteria: Ambry Variant Classification Scheme 2023. Collection method: clinical testing. Allele origin: germline.
Comment: The p.M450R variant (also known as c.1349T>G), located in coding exon 10 of the RINT1 gene, results from a T to G substitution at nucleotide position 1349. The methionine at codon 450 is replaced by arginine, an amino acid with similar properties. This amino acid position is conserved. In addition, this alteration is predicted to be deleterious by in silico analysis. Based on the available evidence, the clinical significance of this variant remains unclear.